The following is an entry in ClinVar:

ClinVar aggregate classification (germline): Uncertain significance. Review status: criteria provided, multiple submitters, no conflicts (2 of 4 stars). 3 submissions from 3 submitters: Uncertain significance (3). Last evaluated 2024-12-24.

Conditions:
Neuropathy, hereditary sensory and autonomic, type 2A (HSAN2A). Also called: ACROOSTEOLYSIS, GIACCAI TYPE; ACROOSTEOLYSIS, NEUROGENIC; MORVAN DISEASE; NEUROPATHY, CONGENITAL SENSORY; NEUROPATHY, HEREDITARY SENSORY RADICULAR, AUTOSOMAL RECESSIVE; NEUROPATHY, HEREDITARY SENSORY, TYPE IIA. Identifiers: Orphanet 970, MedGen C2752089, MONDO:0024309, OMIM 201300.
Generalized epilepsy with febrile seizures plus, type 7 (GEFSP7). Also called: GEFS+, TYPE 7. Identifiers: Orphanet 36387, MedGen C2751778, MONDO:0013470, OMIM 613863.
Inborn genetic diseases. Identifiers: MedGen C0950123, MeSH D030342.

Allele frequency attached by ClinVar (database versions not stated): gnomAD 0.00001; gnomAD exomes 0.00001; TOPMed 0.00001; ExAC 0.00002; ESP Exome Variant Server 0.00008.
gnomAD v4.1: 8 of 1,614,042 alleles (0.0005%); highest among the groups gnomAD compares: Non-Finnish European, 0.00059%; no homozygotes.

Submissions (3):

Women's Health and Genetics/Laboratory Corporation of America, LabCorp
Classification: Uncertain significance. Last evaluated: 2024-12-24. Review status: criteria provided, single submitter. Criteria: LabCorp Variant Classification Summary - May 2015. Collection method: clinical testing. Allele origin: germline.
Comment: Variant summary: SCN9A c.5440G>T (p.Ala1814Ser) results in a conservative amino acid change in the encoded protein sequence. Three of five in-silico tools predict a benign effect of the variant on protein function. The variant allele was found at a frequency of 1.6e-05 in 251482 control chromosomes. The available data on variant occurrences in the general population are insufficient to allow any conclusion about variant significance. To our knowledge, no occurrence of c.5440G>T in individuals affected with Channelopathy-Associated Congenital Insensitivity To Pain, Autosomal Recessive and no experimental evidence demonstrating its impact on protein function have been reported. ClinVar contains an entry for this variant (Variation ID: 1747552). Based on the evidence outlined above, the variant was classified as uncertain significance.

Labcorp Genetics (formerly Invitae), Labcorp
Classification: Uncertain significance for Neuropathy, hereditary sensory and autonomic, type 2A; Generalized epilepsy with febrile seizures plus, type 7. Last evaluated: 2022-05-20. Review status: criteria provided, single submitter. Criteria: Invitae Variant Classification Sherloc (09022015). Collection method: clinical testing. Allele origin: germline.
Comment: In summary, the available evidence is currently insufficient to determine the role of this variant in disease. Therefore, it has been classified as a Variant of Uncertain Significance. Algorithms developed to predict the effect of missense changes on protein structure and function are either unavailable or do not agree on the potential impact of this missense change (SIFT: "Tolerated"; PolyPhen-2: "Possibly Damaging"; Align-GVGD: "Class C0"). This variant has not been reported in the literature in individuals affected with SCN9A-related conditions. This variant is present in population databases (rs201972510, gnomAD 0.004%). This sequence change replaces alanine, which is neutral and non-polar, with serine, which is neutral and polar, at codon 1814 of the SCN9A protein (p.Ala1814Ser).

Ambry Genetics
Classification: Uncertain significance for Inborn genetic diseases. Last evaluated: 2022-04-13. Review status: criteria provided, single submitter. Criteria: Ambry Variant Classification Scheme 2023. Collection method: clinical testing. Allele origin: germline.
Comment: The p.A1814S variant (also known as c.5440G>T), located in coding exon 26 of the SCN9A gene, results from a G to T substitution at nucleotide position 5440. The alanine at codon 1814 is replaced by serine, an amino acid with similar properties. This amino acid position is conserved. In addition, the in silico prediction for this alteration is inconclusive. Since supporting evidence is limited at this time, the clinical significance of this alteration remains unclear.

NM_001365536.1(SCN9A):c.5473G>T (p.Ala1825Ser)

Genes: SCN9A (sodium voltage-gated channel alpha subunit 9; minus strand), SCN1A-AS1 (SCN1A and SCN9A antisense RNA 1; plus strand). Cytogenetic location: 2q24.3.
Variant type: single nucleotide variant.
Coding change: c.5473G>T on transcript NM_001365536.1 (MANE Select); coding-DNA position 5473, G replaced by T.
Protein change: p.Ala1825Ser; replaces alanine 1825 with serine.
Molecular consequence: missense variant.
Genome position (GRCh38, 1-based): chr2:166,199,166, C>A on the plus strand (G>T on the coding strand, the complement: SCN9A is on the minus strand). VCF-style: chr2-166199166-C-A. GRCh37 (hg19) VCF-style: chr2-167055676-C-A.
Other names: c.5440G>T, p.Ala1814Ser (NM_002977.4); short protein forms A1814S, A1825S.
Identifiers: ClinVar variation 1747552 (VCV001747552.8), dbSNP rs201972510, ClinGen allele CA1943674.